The following is an entry in ClinVar:

NM_003579.4(RAD54L):c.1385T>C (p.Leu462Pro)

Gene: RAD54L (RAD54 like; plus strand). Cytogenetic location: 1p34.1.
Variant type: single nucleotide variant.
Coding change: c.1385T>C on transcript NM_003579.4 (MANE Select); coding-DNA position 1385, T replaced by C.
Protein change: p.Leu462Pro; replaces leucine 462 with proline.
Molecular consequence: missense variant.
Genome position (GRCh38, 1-based): chr1:46,273,364, T>C. VCF-style: chr1-46273364-T-C. GRCh37 (hg19) VCF-style: chr1-46739036-T-C.
Other names: c.1385T>C, p.Leu462Pro (NM_001142548.2); c.845T>C, p.Leu282Pro (NM_001370766.1); short protein forms L282P, L462P.
Identifiers: ClinVar variation 1771382 (VCV001771382.2), dbSNP rs1055377394, ClinGen allele CA21897596.
Genomic context (GRCh38, chr1:46,273,364, plus strand): 5'-GTGGAAACTTCAGAAAGCAAAGTATCTGGGTTTTGTTTTGTTTTCTCCCAGATCCAGCTC[T>C]AATCTATGATAAGTGTGTGGAAGAGGAGGATGGCTTTGTGGGTGCCTTGGACCTCTTCCC-3'
Protein context (NP_003570.2, residues 452-472): SLKKLCNHPA[Leu462Pro]IYDKCVEEED

ClinVar aggregate classification (germline): Uncertain significance (1 of 4 stars; one submission).

Allele frequency attached by ClinVar (database versions not stated): gnomAD exomes 0.00001.
gnomAD v4.1: 15 of 1,612,018 alleles (0.00093%); highest among the groups gnomAD compares: Non-Finnish European, 0.0013%; no homozygotes.

Submission:

Ambry Genetics
Classification: Uncertain significance. Last evaluated: 2023-12-07. Review status: criteria provided, single submitter. Criteria: Ambry Variant Classification Scheme 2023. Collection method: clinical testing. Allele origin: germline.
Comment: The p.L462P variant (also known as c.1385T>C), located in coding exon 13 of the RAD54L gene, results from a T to C substitution at nucleotide position 1385. The leucine at codon 462 is replaced by proline, an amino acid with similar properties. This amino acid position is conserved. In addition, this alteration is predicted to be deleterious by in silico analysis. Since supporting evidence is limited at this time, the clinical significance of this alteration remains unclear.